The following is an entry in ClinVar:

NM_002500.5(NEUROD1):c.616C>G (p.His206Asp)

Gene: NEUROD1 (neuronal differentiation 1; minus strand). Cytogenetic location: 2q31.3.
Variant type: single nucleotide variant.
Coding change: c.616C>G on transcript NM_002500.5 (MANE Select); coding-DNA position 616, C replaced by G.
Protein change: p.His206Asp; replaces histidine 206 with aspartic acid.
Molecular consequence: missense variant.
Genome position (GRCh38, 1-based): chr2:181,678,245, G>C on the plus strand (C>G on the coding strand, the complement: NEUROD1 is on the minus strand). VCF-style: chr2-181678245-G-C. GRCh37 (hg19) VCF-style: chr2-182542972-G-C.
Other names: short protein forms H206D.
Identifiers: ClinVar variation 1367987 (VCV001367987.8), dbSNP rs201174472, ClinGen allele CA2011103.

ClinVar aggregate classification (germline): Uncertain significance. Review status: criteria provided, multiple submitters, no conflicts (2 of 4 stars). 3 submissions from 3 submitters: Uncertain significance (3). Last evaluated 2024-09-26.

Conditions:
Type 2 diabetes mellitus. Also called: Type II diabetes mellitus. Identifiers: MedGen C0011860, MeSH D003924, MONDO:0005148, OMIM 125853, HP:0005978.
Maturity-onset diabetes of the young type 6 (MODY6). Identifiers: Orphanet 552, MedGen C1853371, MONDO:0011668, OMIM 606394.

Allele frequency attached by ClinVar (database versions not stated): 1000 Genomes Project 0.00020; 1000 Genomes Project 30x 0.00031.
gnomAD v4.1: 25 of 1,614,052 alleles (0.0015%); highest among the groups gnomAD compares: African/African-American, 0.004%; no homozygotes.

Submissions (3):

Blueprint Genetics
Classification: Uncertain significance. Last evaluated: 2024-09-26. Review status: criteria provided, single submitter. Criteria: ACMG Guidelines, 2015. Collection method: clinical testing. Allele origin: germline.

Labcorp Genetics (formerly Invitae), Labcorp
Classification: Uncertain significance. Last evaluated: 2021-08-26. Review status: criteria provided, single submitter. Criteria: Invitae Variant Classification Sherloc (09022015). Collection method: clinical testing. Allele origin: germline.
Comment: In summary, the available evidence is currently insufficient to determine the role of this variant in disease. Therefore, it has been classified as a Variant of Uncertain Significance. This sequence change replaces histidine with aspartic acid at codon 206 of the NEUROD1 protein (p.His206Asp). The histidine residue is highly conserved and there is a moderate physicochemical difference between histidine and aspartic acid. This variant is present in population databases (rs201174472, ExAC 0.005%). This variant has not been reported in the literature in individuals affected with NEUROD1-related conditions. Algorithms developed to predict the effect of missense changes on protein structure and function are either unavailable or do not agree on the potential impact of this missense change (SIFT: "Deleterious"; PolyPhen-2: "Benign"; Align-GVGD: "Class C65").

Fulgent Genetics
Classification: Uncertain significance for Type 2 diabetes mellitus; Maturity-onset diabetes of the young type 6. Last evaluated: 2021-07-15. Review status: criteria provided, single submitter. Criteria: ACMG Guidelines, 2015. Collection method: clinical testing. Allele origin: unknown.